The following is an entry in ClinVar:

ClinVar aggregate classification (germline): Conflicting classifications of pathogenicity. Review status: criteria provided, conflicting classifications (1 of 4 stars). 9 submissions from 8 submitters: Pathogenic (2); Likely pathogenic (5); Uncertain significance (2). Last evaluated 2025-10-13.

Conditions:
Respiratory ciliopathies including non-CF bronchiectasis.
DNAH5-related disorders.
Primary ciliary dyskinesia. Also called: Ciliary dyskinesia. Identifiers: Orphanet 244, MedGen C0008780, MONDO:0016575, HP:0012265.
Primary ciliary dyskinesia 3. Identifiers: Orphanet 244, MedGen C1837618, MONDO:0012085, OMIM 608644.

Allele frequency attached by ClinVar (database versions not stated): ExAC 0.00002; gnomAD 0.00002; gnomAD exomes 0.00002 and 0.00008; TOPMed 0.00002.
gnomAD v4.1: 111 of 1,613,534 alleles (0.0069%); highest among the groups gnomAD compares: Non-Finnish European, 0.0092%; no homozygotes.

Submissions (9):

Natera, Inc.
Classification: Likely pathogenic for Primary ciliary dyskinesia. Last evaluated: 2025-10-13. Review status: criteria provided, single submitter. Criteria: Natera Variant Classification Schema (03/2026). Collection method: clinical testing. Allele origin: germline.
Comment: The c.8642C>G variant in DNAH5 is a missense variant predicted to cause substitution of alanine to glycine at amino acid 2881. This variant is rare in the general population with a frequency below the threshold expected for the associated phenotype(s). This variant has been observed in one or more individuals affected with the associated recessive disease, as either homozygous or compound heterozygous with a second variant (PMID: 25186273, 31879361, 40758541). Computational prediction algorithms indicate this variant is likely to affect gene or protein function. Given the available evidence, this variant is classified as Likely Pathogenic.

NHS Central & South Genomic Laboratory Hub
Classification: Uncertain significance for Respiratory ciliopathies including non-CF bronchiectasis. Last evaluated: 2025-07-01. Review status: criteria provided, single submitter. Criteria: ACMG Guidelines, 2015. Collection method: clinical testing. Allele origin: germline. Affected: yes.

NHS Central & South Genomic Laboratory Hub
Classification: Likely pathogenic for Primary ciliary dyskinesia. Last evaluated: 2025-01-14. Review status: criteria provided, single submitter. Criteria: ACMG Guidelines, 2015. Collection method: clinical testing. Allele origin: germline. Affected: yes.

Labcorp Genetics (formerly Invitae), Labcorp
Classification: Pathogenic for Primary ciliary dyskinesia. Last evaluated: 2024-12-08. Review status: criteria provided, single submitter. Criteria: Invitae Variant Classification Sherloc (09022015). Collection method: clinical testing. Allele origin: germline.
Comment: This sequence change replaces alanine, which is neutral and non-polar, with glycine, which is neutral and non-polar, at codon 2881 of the DNAH5 protein (p.Ala2881Gly). This variant is present in population databases (rs727502973, gnomAD 0.004%). This missense change has been observed in individual(s) with primary ciliary dyskinesia (PMID: 25186273, 26373788; internal data). ClinVar contains an entry for this variant (Variation ID: 163139). Invitae Evidence Modeling of protein sequence and biophysical properties (such as structural, functional, and spatial information, amino acid conservation, physicochemical variation, residue mobility, and thermodynamic stability) indicates that this missense variant is not expected to disrupt DNAH5 protein function with a negative predictive value of 95%. For these reasons, this variant has been classified as Pathogenic.

GeneDx
Classification: Uncertain significance. Last evaluated: 2024-05-09. Review status: criteria provided, single submitter. Criteria: GeneDx Variant Classification Process June 2021. Collection method: clinical testing. Allele origin: germline. Affected: yes.
Comment: In silico analysis indicates that this missense variant does not alter protein structure/function; This variant is associated with the following publications: (PMID: 25186273, 26373788, 31879361)

Fulgent Genetics
Classification: Likely pathogenic for Primary ciliary dyskinesia 3. Last evaluated: 2024-04-19. Review status: criteria provided, single submitter. Criteria: ACMG Guidelines, 2015. Collection method: clinical testing. Allele origin: germline.

Ambry Genetics
Classification: Pathogenic for Primary ciliary dyskinesia. Last evaluated: 2023-05-18. Review status: criteria provided, single submitter. Criteria: Ambry Variant Classification Scheme 2023. Collection method: clinical testing. Allele origin: germline.
Comment: The p.A2881G pathogenic mutation (also known as c.8642C>G), located in coding exon 51 of the DNAH5 gene, results from a C to G substitution at nucleotide position 8642. The alanine at codon 2881 is replaced by glycine, an amino acid with similar properties. This mutation has been detected with another DNAH5 variant in multiple individuals with primary ciliary dyskinesia (Raidt J et al. Eur Respir J, 2014 Dec;44:1579-88; Raidt J et al. Hum Reprod, 2015 Dec;30:2871-80; Fassad MR et al. J Med Genet, 2020 May;57:322-330; Ambry internal data). Functional analysis also revealed that some of these individuals have defective outer dynein arm and/or cilia (Raidt J et al. Hum Reprod, 2015 Dec;30:2871-80; Fassad MR et al. J Med Genet, 2020 May;57:322-330). This amino acid position is well conserved in available vertebrate species. In addition, this alteration is predicted to be tolerated by in silico analysis. This variant is considered to be rare based on population cohorts in the Genome Aggregation Database (gnomAD). Based on the supporting evidence, this alteration is interpreted as a disease-causing mutation.

Blueprint Genetics
Classification: Likely pathogenic for DNAH5-related disorders. Last evaluated: 2022-08-11. Review status: criteria provided, single submitter. Criteria: ACMG Guidelines, 2015. Collection method: clinical testing. Allele origin: germline. Affected: yes. Observed: 5 variant alleles.

Laboratory for Molecular Medicine, Mass General Brigham Personalized Medicine
Classification: Likely pathogenic for Primary ciliary dyskinesia. Last evaluated: 2013-11-22. Review status: criteria provided, single submitter. Criteria: LMM Criteria. Collection method: clinical testing. Allele origin: germline. Inheritance: Autosomal recessive inheritance. Observed: 1 variant allele.
Comment: proposed classification - variant undergoing re-assessment, contact laboratory

Literature cited by the submitters: PubMed 25186273 (cited by 4 submitters); PubMed 31879361 (cited by Natera, Inc. and Ambry Genetics); PubMed 40758541 (cited by Natera, Inc.); PubMed 26373788 (cited by 3 submitters).

NM_001369.3(DNAH5):c.8642C>G (p.Ala2881Gly)

Gene: DNAH5 (dynein axonemal heavy chain 5; minus strand). Cytogenetic location: 5p15.2.
Variant type: single nucleotide variant.
Coding change: c.8642C>G on transcript NM_001369.3 (MANE Select); coding-DNA position 8642, C replaced by G.
Protein change: p.Ala2881Gly; replaces alanine 2881 with glycine.
Molecular consequence: missense variant.
Genome position (GRCh38, 1-based): chr5:13,788,721, G>C on the plus strand (C>G on the coding strand, the complement: DNAH5 is on the minus strand). VCF-style: chr5-13788721-G-C. GRCh37 (hg19) VCF-style: chr5-13788830-G-C.
Other names: short protein forms A2881G.
Identifiers: ClinVar variation 163139 (VCV000163139.23), dbSNP rs727502973, ClinGen allele CA175780.